The following is an entry in ClinVar:

NM_001061.7(TBXAS1):c.587G>A (p.Gly196Asp)

Gene: TBXAS1 (thromboxane A synthase 1; plus strand). Cytogenetic location: 7q34.
Variant type: single nucleotide variant.
Coding change: c.587G>A on transcript NM_001061.7 (MANE Select); coding-DNA position 587, G replaced by A.
Protein change: p.Gly196Asp; replaces glycine 196 with aspartic acid.
Molecular consequence: missense variant.
Genome position (GRCh38, 1-based): chr7:139,955,506, G>A. VCF-style: chr7-139955506-G-A. GRCh37 (hg19) VCF-style: chr7-139655305-G-A.
Other names: c.587G>A, p.Gly196Asp (NM_001130966.5, NM_030984.6); c.725G>A, p.Gly242Asp (NM_001166253.4); c.386G>A, p.Gly129Asp (NM_001166254.4); c.530G>A, p.Gly177Asp (NM_001314028.4); c.404G>A, p.Gly135Asp (NM_001366537.3); short protein forms G129D, G135D, G177D, G196D, G197D, G242D, G243D.
Identifiers: ClinVar variation 3768219 (VCV003768219.1).

ClinVar aggregate classification (germline): Uncertain significance (1 of 4 stars; one submission).

Submission:

Women's Health and Genetics/Laboratory Corporation of America, LabCorp
Classification: Uncertain significance. Last evaluated: 2024-12-06. Review status: criteria provided, single submitter. Criteria: LabCorp Variant Classification Summary - May 2015. Collection method: clinical testing. Allele origin: germline.
Comment: Variant summary: TBXAS1 c.587G>A (p.Gly196Asp) results in a non-conservative amino acid change in the encoded protein sequence. Five of five in-silico tools predict a damaging effect of the variant on protein function. The variant was absent in 251456 control chromosomes. The available data on variant occurrences in the general population are insufficient to allow any conclusion about variant significance. To our knowledge, no occurrence of c.587G>A in individuals affected with Ghosal Hematodiaphyseal Dysplasia and no experimental evidence demonstrating its impact on protein function have been reported. No submitters have cited clinical-significance assessments for this variant to ClinVar. Based on the evidence outlined above, the variant was classified as uncertain significance.